The following is an entry in ClinVar:

NM_024675.4(PALB2):c.3099C>A (p.Asn1033Lys)

Gene: PALB2 (partner and localizer of BRCA2; minus strand). Cytogenetic location: 16p12.2.
Variant type: single nucleotide variant.
Coding change: c.3099C>A on transcript NM_024675.4 (MANE Select); coding-DNA position 3099, C replaced by A.
Protein change: p.Asn1033Lys; replaces asparagine 1033 with lysine.
Molecular consequence: missense variant.
Genome position (GRCh38, 1-based): chr16:23,621,376, G>T on the plus strand (C>A on the coding strand, the complement: PALB2 is on the minus strand). VCF-style: chr16-23621376-G-T. GRCh37 (hg19) VCF-style: chr16-23632697-G-T.
Other names: short protein forms N1033K.
Identifiers: ClinVar variation 410132 (VCV000410132.15), dbSNP rs1057523064, ClinGen allele CA16615219.

ClinVar aggregate classification (germline): Uncertain significance. Review status: criteria provided, multiple submitters, no conflicts (2 of 4 stars). 2 submissions from 2 submitters: Uncertain significance (2). Last evaluated 2025-07-22.

Conditions:
Hereditary cancer-predisposing syndrome. Also called: Tumor predisposition; Hereditary Cancer Syndrome; Hereditary neoplastic syndrome; Neoplastic Syndromes, Hereditary. Identifiers: Orphanet 140162, MedGen C0027672, MeSH D009386, MONDO:0015356.
Familial cancer of breast. Also called: BREAST CANCER, FAMILIAL; Hereditary breast cancer; hereditary breast carcinoma. Identifiers: Orphanet 227535, MedGen C0346153, MONDO:0016419, OMIM 114480. Disease mechanism: loss of function.

Submissions (2):

Labcorp Genetics (formerly Invitae), Labcorp
Classification: Uncertain significance for Familial cancer of breast. Last evaluated: 2025-07-22. Review status: criteria provided, single submitter. Criteria: Invitae Variant Classification Sherloc (09022015). Collection method: clinical testing. Allele origin: germline.
Comment: This sequence change replaces asparagine, which is neutral and polar, with lysine, which is basic and polar, at codon 1033 of the PALB2 protein (p.Asn1033Lys). This variant is not present in population databases (gnomAD no frequency). This variant has not been reported in the literature in individuals affected with PALB2-related conditions. ClinVar contains an entry for this variant (Variation ID: 410132). Invitae Evidence Modeling of protein sequence and biophysical properties (such as structural, functional, and spatial information, amino acid conservation, physicochemical variation, residue mobility, and thermodynamic stability) has been performed for this missense variant. However, the output from this modeling did not meet the statistical confidence thresholds required to predict the impact of this variant on PALB2 protein function. In summary, the available evidence is currently insufficient to determine the role of this variant in disease. Therefore, it has been classified as a Variant of Uncertain Significance.

Ambry Genetics
Classification: Uncertain significance for Hereditary cancer-predisposing syndrome. Last evaluated: 2024-11-09. Review status: criteria provided, single submitter. Criteria: Ambry Variant Classification Scheme 2023. Collection method: clinical testing. Allele origin: germline.
Comment: The p.N1033K variant (also known as c.3099C>A), located in coding exon 10 of the PALB2 gene, results from a C to A substitution at nucleotide position 3099. The asparagine at codon 1033 is replaced by lysine, an amino acid with similar properties. This amino acid position is well conserved in available vertebrate species. In addition, this alteration is predicted to be tolerated by in silico analysis. Since supporting evidence is limited at this time, the clinical significance of this alteration remains unclear.